The following is an entry in ClinVar:

ClinVar aggregate classification (germline): Likely benign (1 of 4 stars; one submission).

Submission:

CeGaT Center for Human Genetics Tuebingen
Classification: Likely benign. Last evaluated: 2022-12-01. Review status: criteria provided, single submitter. Criteria: CeGaT Center For Human Genetics Tuebingen Variant Classification Criteria Version 2. Collection method: clinical testing. Allele origin: germline. Affected: yes. Observed: 2 variant alleles.
Comment: TPPP: BS2

NM_007030.3(TPPP):c.312-2132_312-2085del

Genes: CEP72 (centrosomal protein 72), TPPP (tubulin polymerization promoting protein; minus strand). Cytogenetic location: 5p15.33.
Variant type: Deletion.
Coding change: c.312-2132_312-2085del on transcript NM_007030.3 (MANE Select); 2132 bases into the intron before coding-DNA position 312 through 2085 bases into the intron before coding-DNA position 312, 48 bases deleted.
Molecular consequence: intron variant. On other transcripts: non-coding transcript variant (1).
Genome position (GRCh38, 1-based): chr5:668,208-668,255, 48 bases deleted; deleting any 48 consecutive bases within chr5:668,208-668,266 gives the same sequence; the c. name uses the placement nearest the transcript's 3' end. GRCh37 (hg19): chr5:668,334-668,381.
Identifiers: ClinVar variation 2655252 (VCV002655252.24), dbSNP rs1561081956, ClinGen allele CA557398450.
Genomic context (GRCh38, chr5:668,207, plus strand): 5'-TCAGGGAAGTACCGACAAGCACACGGAGAGGGGTCCGCGTGGGCGCCGTCAGGGAAGTAC[CGACAAGCACACAGAGAGGGGGCCGTGTGGGCGCCGTCAGGGAAGTGCG>C]GACAAGCACACGGAGAGGGGTCCGCGTGGGCGCCGTCAGGGAAGTACCGACAAGCACACA-3'